The following is an entry in ClinVar:

NM_201384.3(PLEC):c.7031G>A (p.Arg2344Gln)

Gene: PLEC (plectin; minus strand). Cytogenetic location: 8q24.3.
Variant type: single nucleotide variant.
Coding change: c.7031G>A on transcript NM_201384.3 (MANE Select); coding-DNA position 7031, G replaced by A.
Protein change: p.Arg2344Gln; replaces arginine 2344 with glutamine.
Molecular consequence: missense variant.
Genome position (GRCh38, 1-based): chr8:143,922,898, C>T on the plus strand (G>A on the coding strand, the complement: PLEC is on the minus strand). VCF-style: chr8-143922898-C-T. GRCh37 (hg19) VCF-style: chr8-144997066-C-T.
Other names: c.7112G>A, p.Arg2371Gln (NM_000445.5); c.6989G>A, p.Arg2330Gln (NM_201378.4); c.6965G>A, p.Arg2322Gln (NM_201379.3); c.7442G>A, p.Arg2481Gln (NM_201380.4); c.6935G>A, p.Arg2312Gln (NM_201381.3); c.7031G>A, p.Arg2344Gln (NM_201382.4); c.7043G>A, p.Arg2348Gln (NM_201383.3); short protein forms R2344Q, R2371Q, R2312Q, R2330Q, R2322Q, R2348Q, R2481Q.
Identifiers: ClinVar variation 668587 (VCV000668587.9), dbSNP rs782566489, ClinGen allele CA372530427.

ClinVar aggregate classification (germline): Conflicting classifications of pathogenicity. Review status: criteria provided, conflicting classifications (1 of 4 stars). 3 submissions from 3 submitters: Uncertain significance (2); Likely benign (1). Last evaluated 2025-02-05.

Conditions:
PLEC-related disorder. Also called: PLEC-related condition; PLEC-related disorders.
Autosomal recessive limb-girdle muscular dystrophy type 2Q (LGMDR17). Also called: MUSCULAR DYSTROPHY, LIMB-GIRDLE, AUTOSOMAL RECESSIVE 17. Identifiers: Orphanet 254361, MedGen C3150989, MONDO:0013390, OMIM 613723.
Epidermolysis bullosa simplex 5B, with muscular dystrophy (EBS5B). Also called: EPIDERMOLYSIS BULLOSA SIMPLEX AND LIMB-GIRDLE MUSCULAR DYSTROPHY; Epidermolysis bullosa simplex with muscular dystrophy. Identifiers: Orphanet 257, MedGen C2931072, MONDO:0009181, OMIM 226670.
Epidermolysis bullosa simplex with nail dystrophy (EBS5D). Identifiers: MedGen C4225309, MONDO:0014661, OMIM 616487.
Epidermolysis bullosa simplex 5C, with pyloric atresia (EBS5C). Also called: PLEC-Related Epidermolysis Bullosa with Pyloric Atresia; Epidermolysis bullosa simplex with pyloric atresia; PLEC1-Related Epidermolysis Bullosa with Pyloric Atresia. Identifiers: Orphanet 158684, MedGen C2677349, MONDO:0012807, OMIM 612138.
Epidermolysis bullosa simplex, Ogna type (EBS5A). Also called: EPIDERMOLYSIS BULLOSA SIMPLEX 5A, OGNA TYPE; Pidermolysis bullosa simplex 5A, Ogna type. Identifiers: Orphanet 79401, MedGen C0432317, MONDO:0007555, OMIM 131950.

Allele frequency attached by ClinVar (database versions not stated): TOPMed below 0.00001; gnomAD 0.00001.
gnomAD v4.1: 22 of 1,587,630 alleles (0.0014%); highest among the groups gnomAD compares: Middle Eastern, 0.017%; no homozygotes.

Submissions (3):

PreventionGenetics, part of Exact Sciences
Classification: Uncertain significance for PLEC-related condition. Last evaluated: 2025-02-05. Review status: criteria provided, single submitter. Criteria: ACMG Guidelines, 2015. Collection method: clinical testing. Allele origin: germline.
Comment: The PLEC c.7112G>A variant is predicted to result in the amino acid substitution p.Arg2371Gln. To our knowledge, this variant has not been reported in the literature. This variant is reported in 0.0033% of alleles in individuals of Latino descent in gnomAD. At this time, the clinical significance of this variant is uncertain due to the absence of conclusive functional and genetic evidence.

Labcorp Genetics (formerly Invitae), Labcorp
Classification: Uncertain significance for Autosomal recessive limb-girdle muscular dystrophy type 2Q; Epidermolysis bullosa simplex, Ogna type; Epidermolysis bullosa simplex with nail dystrophy; Epidermolysis bullosa simplex 5C, with pyloric atresia; Epidermolysis bullosa simplex 5B, with muscular dystrophy. Last evaluated: 2023-10-29. Review status: criteria provided, single submitter. Criteria: Invitae Variant Classification Sherloc (09022015). Collection method: clinical testing. Allele origin: germline.
Comment: This sequence change replaces arginine, which is basic and polar, with glutamine, which is neutral and polar, at codon 2371 of the PLEC protein (p.Arg2371Gln). The frequency data for this variant in the population databases is considered unreliable, as metrics indicate poor data quality at this position in the gnomAD database. This variant has not been reported in the literature in individuals affected with PLEC-related conditions. ClinVar contains an entry for this variant (Variation ID: 668587). An algorithm developed to predict the effect of missense changes on protein structure and function (PolyPhen-2) suggests that this variant is likely to be tolerated. In summary, the available evidence is currently insufficient to determine the role of this variant in disease. Therefore, it has been classified as a Variant of Uncertain Significance.

GeneDx
Classification: Likely benign. Last evaluated: 2018-05-24. Review status: criteria provided, single submitter. Criteria: GeneDx Variant Classification (06012015). Collection method: clinical testing. Allele origin: germline. Affected: yes.
Comment: This variant is considered likely benign or benign based on one or more of the following criteria: it is a conservative change, it occurs at a poorly conserved position in the protein, it is predicted to be benign by multiple in silico algorithms, and/or has population frequency not consistent with disease.